The following is an entry in ClinVar:

ClinVar aggregate classification (germline): Uncertain significance (1 of 4 stars; one submission).

Allele frequency attached by ClinVar (database versions not stated): gnomAD exomes below 0.00001.
gnomAD v4.1: 14 of 1,609,200 alleles (0.00087%); highest among the groups gnomAD compares: Admixed American, 0.0017%; no homozygotes.

Submission:

Labcorp Genetics (formerly Invitae), Labcorp
Classification: Uncertain significance. Last evaluated: 2021-09-26. Review status: criteria provided, single submitter. Criteria: Invitae Variant Classification Sherloc (09022015). Collection method: clinical testing. Allele origin: germline.
Comment: In summary, the available evidence is currently insufficient to determine the role of this variant in disease. Therefore, it has been classified as a Variant of Uncertain Significance. Algorithms developed to predict the effect of sequence changes on RNA splicing suggest that this variant may disrupt the consensus splice site. This variant has not been reported in the literature in individuals affected with LRIT3-related conditions. This variant is not present in population databases (ExAC no frequency). This sequence change falls in intron 2 of the LRIT3 gene. It does not directly change the encoded amino acid sequence of the LRIT3 protein.

NM_198506.5(LRIT3):c.590-5T>G

Gene: LRIT3 (leucine rich repeat, Ig-like and transmembrane domains 3; plus strand). Cytogenetic location: 4q25.
Variant type: single nucleotide variant.
Coding change: c.590-5T>G on transcript NM_198506.5 (MANE Select); 5 bases into the intron before coding-DNA position 590, T replaced by G.
Molecular consequence: intron variant.
Genome position (GRCh38, 1-based): chr4:109,867,636, T>G. VCF-style: chr4-109867636-T-G. GRCh37 (hg19) VCF-style: chr4-110788792-T-G.
Identifiers: ClinVar variation 1462358 (VCV001462358.6), dbSNP rs1209170917, ClinGen allele CA553662973.